The following is an entry in ClinVar:

NM_000245.4(MET):c.104T>C (p.Met35Thr)

Gene: MET (MET proto-oncogene, receptor tyrosine kinase; plus strand). Cytogenetic location: 7q31.2.
Variant type: single nucleotide variant.
Coding change: c.104T>C on transcript NM_000245.4 (MANE Select); coding-DNA position 104, T replaced by C.
Protein change: p.Met35Thr; replaces methionine 35 with threonine.
Molecular consequence: missense variant. On other transcripts: intron variant (1).
Genome position (GRCh38, 1-based): chr7:116,699,188, T>C. VCF-style: chr7-116699188-T-C. GRCh37 (hg19) VCF-style: chr7-116339242-T-C.
Other names: c.104T>C, p.Met35Thr (NM_001127500.3, NM_001324401.3); c.-91+26611T>C (NM_001324402.2); short protein forms M35T.
Identifiers: ClinVar variation 2453414 (VCV002453414.6), dbSNP rs1584875799, ClinGen allele CA368968348.

ClinVar aggregate classification (germline): Uncertain significance. Review status: criteria provided, multiple submitters, no conflicts (2 of 4 stars). 2 submissions from 2 submitters: Uncertain significance (2). Last evaluated 2025-03-28.

Conditions:
Hereditary cancer-predisposing syndrome. Also called: Neoplastic Syndromes, Hereditary; Tumor predisposition; Hereditary neoplastic syndrome; Hereditary Cancer Syndrome. Identifiers: Orphanet 140162, MedGen C0027672, MeSH D009386, MONDO:0015356.
Renal cell carcinoma. Identifiers: Orphanet 217071, MedGen C0007134, MeSH D002292, MONDO:0005086, HP:0005584.

Allele frequency attached by ClinVar (database versions not stated): gnomAD exomes 0.00001.
gnomAD v4.1: 4 of 1,613,952 alleles (0.00025%); highest among the groups gnomAD compares: Non-Finnish European, 0.00034%; no homozygotes.

Submissions (2):

Ambry Genetics
Classification: Uncertain significance for Hereditary cancer-predisposing syndrome. Last evaluated: 2025-03-28. Review status: criteria provided, single submitter. Criteria: Ambry Variant Classification Scheme 2023. Collection method: clinical testing. Allele origin: germline.
Comment: The p.M35T variant (also known as c.104T>C), located in coding exon 1 of the MET gene, results from a T to C substitution at nucleotide position 104. The methionine at codon 35 is replaced by threonine, an amino acid with similar properties. This amino acid position is well conserved in available vertebrate species. In addition, this alteration is predicted to be tolerated by in silico analysis. Since supporting evidence is limited at this time, the clinical significance of this alteration remains unclear.

Labcorp Genetics (formerly Invitae), Labcorp
Classification: Uncertain significance for Renal cell carcinoma. Last evaluated: 2023-10-18. Review status: criteria provided, single submitter. Criteria: Invitae Variant Classification Sherloc (09022015). Collection method: clinical testing. Allele origin: germline.
Comment: This sequence change replaces methionine, which is neutral and non-polar, with threonine, which is neutral and polar, at codon 35 of the MET protein (p.Met35Thr). This variant is not present in population databases (gnomAD no frequency). This variant has not been reported in the literature in individuals affected with MET-related conditions. ClinVar contains an entry for this variant (Variation ID: 2453414). Advanced modeling of protein sequence and biophysical properties (such as structural, functional, and spatial information, amino acid conservation, physicochemical variation, residue mobility, and thermodynamic stability) performed at Invitae indicates that this missense variant is not expected to disrupt MET protein function. In summary, the available evidence is currently insufficient to determine the role of this variant in disease. Therefore, it has been classified as a Variant of Uncertain Significance.